The following is an entry in ClinVar:

NM_001048174.2(MUTYH):c.81G>T (p.Lys27Asn)

Gene: MUTYH (mutY DNA glycosylase; minus strand). Cytogenetic location: 1p34.1.
Variant type: single nucleotide variant.
Coding change: c.81G>T on transcript NM_001048174.2 (MANE Select); coding-DNA position 81, G replaced by T.
Protein change: p.Lys27Asn; replaces lysine 27 with asparagine.
Molecular consequence: missense variant. On other transcripts: 5 prime UTR variant (7), non-coding transcript variant (7).
Genome position (GRCh38, 1-based): chr1:45,334,425, C>A on the plus strand (G>T on the coding strand, the complement: MUTYH is on the minus strand). VCF-style: chr1-45334425-C-A. GRCh37 (hg19) VCF-style: chr1-45800097-C-A.
Other names: c.81G>T, p.Lys27Asn (NM_001048171.2, NM_001048172.2, NM_001048173.2 and 15 more transcripts); c.123G>T, p.Lys41Asn (NM_001128425.2, NM_001293190.2, NM_001407069.1 and 2 more transcripts); c.-132G>T (NM_001293192.2, NM_001293196.2, NM_001407091.1); c.-191G>T (NM_001350650.2); c.-127G>T (NM_001350651.2, NM_001407082.1); c.-76G>T (NM_001407075.1); c.99G>T, p.Lys33Asn (NM_001407087.1); short protein forms K27N, K41N, K33N.
Identifiers: ClinVar variation 4113120 (VCV004113120.1).

ClinVar aggregate classification (germline): Uncertain significance (1 of 4 stars; one submission).

Conditions:
Hereditary cancer-predisposing syndrome. Also called: Tumor predisposition; Neoplastic Syndromes, Hereditary; Hereditary neoplastic syndrome; Hereditary Cancer Syndrome. Identifiers: Orphanet 140162, MedGen C0027672, MeSH D009386, MONDO:0015356.

Submission:

Ambry Genetics
Classification: Uncertain significance for Hereditary cancer-predisposing syndrome. Last evaluated: 2025-08-27. Review status: criteria provided, single submitter. Criteria: Ambry Variant Classification Scheme 2023. Collection method: clinical testing. Allele origin: germline.
Comment: The p.K41N variant (also known as c.123G>T), located in coding exon 2 of the MUTYH gene, results from a G to T substitution at nucleotide position 123. The lysine at codon 41 is replaced by asparagine, an amino acid with similar properties. This amino acid position is conserved. In addition, this alteration is predicted to be tolerated by in silico analysis. Based on the available evidence, the clinical significance of this variant remains unclear.